The following is an entry in ClinVar:

NM_017654.4(SAMD9):c.2570T>C (p.Leu857Pro)

Gene: SAMD9 (sterile alpha motif domain containing 9; minus strand). Cytogenetic location: 7q21.2.
Variant type: single nucleotide variant.
Coding change: c.2570T>C on transcript NM_017654.4 (MANE Select); coding-DNA position 2570, T replaced by C.
Protein change: p.Leu857Pro; replaces leucine 857 with proline.
Molecular consequence: missense variant.
Genome position (GRCh38, 1-based): chr7:93,103,528, A>G on the plus strand (T>C on the coding strand, the complement: SAMD9 is on the minus strand). VCF-style: chr7-93103528-A-G. GRCh37 (hg19) VCF-style: chr7-92732841-A-G.
Other names: c.2570T>C, p.Leu857Pro (NM_001193307.2); short protein forms L857P.
Identifiers: ClinVar variation 4807435 (VCV004807435.1).

ClinVar aggregate classification (germline): Uncertain significance (1 of 4 stars; one submission).

Submission:

Labcorp Genetics (formerly Invitae), Labcorp
Classification: Uncertain significance. Last evaluated: 2025-08-11. Review status: criteria provided, single submitter. Criteria: Invitae Variant Classification Sherloc (09022015). Collection method: clinical testing. Allele origin: germline.
Comment: This sequence change replaces leucine, which is neutral and non-polar, with proline, which is neutral and non-polar, at codon 857 of the SAMD9 protein (p.Leu857Pro). This variant is not present in population databases (gnomAD no frequency). This variant has not been reported in the literature in individuals affected with SAMD9-related conditions. Invitae Evidence Modeling of protein sequence and biophysical properties (such as structural, functional, and spatial information, amino acid conservation, physicochemical variation, residue mobility, and thermodynamic stability) has been performed for this missense variant. However, the output from this modeling did not meet the statistical confidence thresholds required to predict the impact of this variant on SAMD9 protein function. In summary, the available evidence is currently insufficient to determine the role of this variant in disease. Therefore, it has been classified as a Variant of Uncertain Significance.